The following is an entry in ClinVar:

ClinVar aggregate classification (germline): Uncertain significance (1 of 4 stars; one submission).

Conditions:
VPS13B-related disorder. Also called: VPS13B-related condition.

Submission:

PreventionGenetics, part of Exact Sciences
Classification: Uncertain significance for VPS13B-related condition. Last evaluated: 2026-03-04. Review status: criteria provided, single submitter. Criteria: ACMG Guidelines, 2015. Collection method: clinical testing. Allele origin: germline.
Comment: The VPS13B c.1835T>C variant is predicted to result in the amino acid substitution p.Leu612Pro. To our knowledge, this variant has not been reported in the literature or in a large population database (gnomAD), indicating this variant is rare. At this time, the clinical significance of this variant is uncertain due to the absence of conclusive functional and genetic evidence.

NM_152564.5(VPS13B):c.1835T>C (p.Leu612Pro)

Gene: VPS13B (vacuolar protein sorting 13 homolog B; plus strand). Cytogenetic location: 8q22.2.
Variant type: single nucleotide variant.
Coding change: c.1835T>C on transcript NM_152564.5 (MANE Select); coding-DNA position 1835, T replaced by C.
Protein change: p.Leu612Pro; replaces leucine 612 with proline.
Molecular consequence: missense variant.
Genome position (GRCh38, 1-based): chr8:99,143,157, T>C. VCF-style: chr8-99143157-T-C. GRCh37 (hg19) VCF-style: chr8-100155385-T-C.
Other names: c.1835T>C, p.Leu612Pro (NM_015243.3, NM_017890.5); short protein forms L612P.
Identifiers: ClinVar variation 4992686 (VCV004992686.1).